The following is an entry in ClinVar:

ClinVar aggregate classification (germline): Uncertain significance. Review status: criteria provided, multiple submitters, no conflicts (2 of 4 stars). 3 submissions from 3 submitters: Uncertain significance (3). Last evaluated 2024-03-06.

Conditions:
Hereditary cancer-predisposing syndrome. Also called: Hereditary Cancer Syndrome; Neoplastic Syndromes, Hereditary; Tumor predisposition; Hereditary neoplastic syndrome. Identifiers: Orphanet 140162, MedGen C0027672, MeSH D009386, MONDO:0015356.
Juvenile polyposis syndrome (JPS). Identifiers: Orphanet 2929, MedGen C0345893, MONDO:0017380, OMIM 174900.
Carcinoma of pancreas. Also called: Pancreatic cancer, somatic; Pancreatic carcinoma, somatic; Exocrine pancreatic carcinoma; PANCREATIC ACINAR CARCINOMA; PANCREATIC CARCINOMA. Identifiers: Orphanet 1333, Orphanet 217074, MedGen C0235974, MONDO:0005192. Disease mechanism: loss of function.

Submissions (3):

Color Diagnostics, LLC DBA Color Health
Classification: Uncertain significance for Hereditary cancer-predisposing syndrome. Last evaluated: 2024-03-06. Review status: criteria provided, single submitter. Criteria: ACMG Guidelines, 2015. Collection method: clinical testing. Allele origin: germline.
Comment: This missense variant replaces histidine with proline at codon 177 of the SMAD4 protein. Computational prediction suggests that this variant may not impact protein structure and function (internally defined REVEL score threshold <= 0.5, PMID: 27666373). To our knowledge, functional studies have not been reported for this variant. This variant has not been reported in individuals affected with hereditary cancer in the literature. This variant has not been identified in the general population by the Genome Aggregation Database (gnomAD). The available evidence is insufficient to determine the role of this variant in disease conclusively. Therefore, this variant is classified as a Variant of Uncertain Significance.

Labcorp Genetics (formerly Invitae), Labcorp
Classification: Uncertain significance for Juvenile polyposis syndrome. Last evaluated: 2023-11-20. Review status: criteria provided, single submitter. Criteria: Invitae Variant Classification Sherloc (09022015). Collection method: clinical testing. Allele origin: germline.
Comment: This sequence change replaces histidine, which is basic and polar, with proline, which is neutral and non-polar, at codon 177 of the SMAD4 protein (p.His177Pro). This variant is not present in population databases (gnomAD no frequency). This variant has not been reported in the literature in individuals affected with SMAD4-related conditions. ClinVar contains an entry for this variant (Variation ID: 630751). Advanced modeling of protein sequence and biophysical properties (such as structural, functional, and spatial information, amino acid conservation, physicochemical variation, residue mobility, and thermodynamic stability) performed at Invitae indicates that this missense variant is not expected to disrupt SMAD4 protein function with a negative predictive value of 95%. In summary, the available evidence is currently insufficient to determine the role of this variant in disease. Therefore, it has been classified as a Variant of Uncertain Significance.

Centre for Mendelian Genomics, University Medical Centre Ljubljana
Classification: Uncertain significance for Familial pancreatic carcinoma. Last evaluated: 2019-11-25. Review status: criteria provided, single submitter. Criteria: ACMG Guidelines, 2015. Collection method: clinical testing. Allele origin: unknown. Affected: yes.
Comment: This variant was classified as: Uncertain significance. The available evidence on this variant's pathogenicity is insufficient or conflicting. The following ACMG criteria were applied in classifying this variant: PM2.

NM_005359.6(SMAD4):c.530A>C (p.His177Pro)

Gene: SMAD4 (SMAD family member 4; plus strand). Cytogenetic location: 18q21.2.
Variant type: single nucleotide variant.
Coding change: c.530A>C on transcript NM_005359.6 (MANE Select); coding-DNA position 530, A replaced by C.
Protein change: p.His177Pro; replaces histidine 177 with proline.
Molecular consequence: missense variant.
Genome position (GRCh38, 1-based): chr18:51,054,856, A>C. VCF-style: chr18-51054856-A-C. GRCh37 (hg19) VCF-style: chr18-48581226-A-C.
Other names: short protein forms H177P.
Identifiers: ClinVar variation 630751 (VCV000630751.17), dbSNP rs1568205026, ClinGen allele CA402460842.